The following is an entry in ClinVar:

NM_015512.5(DNAH1):c.10572G>A (p.Met3524Ile)

Gene: DNAH1 (dynein axonemal heavy chain 1; plus strand). Cytogenetic location: 3p21.1.
Variant type: single nucleotide variant.
Coding change: c.10572G>A on transcript NM_015512.5 (MANE Select); coding-DNA position 10572, G replaced by A.
Protein change: p.Met3524Ile; replaces methionine 3524 with isoleucine.
Molecular consequence: missense variant.
Genome position (GRCh38, 1-based): chr3:52,393,431, G>A. VCF-style: chr3-52393431-G-A. GRCh37 (hg19) VCF-style: chr3-52427447-G-A.
Other names: short protein forms M3524I.
Identifiers: ClinVar variation 2196759 (VCV002196759.2), dbSNP rs761655862, ClinGen allele CA74783893.

ClinVar aggregate classification (germline): Uncertain significance (1 of 4 stars; one submission).

Conditions:
Ciliary dyskinesia, primary, 37 (CILD37). Also called: CILIARY DYSKINESIA, PRIMARY, 37, WITH OR WITHOUT SITUS INVERSUS. Identifiers: MedGen C4539798, MONDO:0033204, OMIM 617577.
Spermatogenic failure 18. Identifiers: MedGen C4539783, MONDO:0054615, OMIM 617576.

Allele frequency attached by ClinVar (database versions not stated): gnomAD exomes below 0.00001; TOPMed 0.00001.
gnomAD v4.1: 6 of 1,614,030 alleles (0.00037%); highest among the groups gnomAD compares: Admixed American, 0.0017%; no homozygotes.

Submission:

Labcorp Genetics (formerly Invitae), Labcorp
Classification: Uncertain significance for Ciliary dyskinesia, primary, 37; Spermatogenic failure 18. Last evaluated: 2022-04-09. Review status: criteria provided, single submitter. Criteria: Invitae Variant Classification Sherloc (09022015). Collection method: clinical testing. Allele origin: germline.
Comment: This sequence change replaces methionine, which is neutral and non-polar, with isoleucine, which is neutral and non-polar, at codon 3524 of the DNAH1 protein (p.Met3524Ile). This variant is not present in population databases (gnomAD no frequency). This variant has not been reported in the literature in individuals affected with DNAH1-related conditions. Algorithms developed to predict the effect of missense changes on protein structure and function are either unavailable or do not agree on the potential impact of this missense change (SIFT: "Deleterious"; PolyPhen-2: "Benign"; Align-GVGD: "Class C0"). In summary, the available evidence is currently insufficient to determine the role of this variant in disease. Therefore, it has been classified as a Variant of Uncertain Significance.